The following is an entry in ClinVar:

NM_006939.4(SOS2):c.3560C>T (p.Pro1187Leu)

Gene: SOS2 (SOS Ras/Rho guanine nucleotide exchange factor 2; minus strand). Cytogenetic location: 14q21.3.
Variant type: single nucleotide variant.
Coding change: c.3560C>T on transcript NM_006939.4 (MANE Select); coding-DNA position 3560, C replaced by T.
Protein change: p.Pro1187Leu; replaces proline 1187 with leucine.
Molecular consequence: missense variant.
Genome position (GRCh38, 1-based): chr14:50,118,783, G>A on the plus strand (C>T on the coding strand, the complement: SOS2 is on the minus strand). VCF-style: chr14-50118783-G-A. GRCh37 (hg19) VCF-style: chr14-50585501-G-A.
Other names: short protein forms P1187L.
Identifiers: ClinVar variation 646429 (VCV000646429.6), dbSNP rs1594951526, ClinGen allele CA389638665.

ClinVar aggregate classification (germline): Uncertain significance (1 of 4 stars; one submission).

Conditions:
Noonan syndrome 9 (NS9). Identifiers: Orphanet 648, MedGen C4225282, MONDO:0014691, OMIM 616559.

Submission:

Labcorp Genetics (formerly Invitae), Labcorp
Classification: Uncertain significance for Noonan syndrome 9. Last evaluated: 2025-01-06. Review status: criteria provided, single submitter. Criteria: Invitae Variant Classification Sherloc (09022015). Collection method: clinical testing. Allele origin: germline.
Comment: This sequence change replaces proline, which is neutral and non-polar, with leucine, which is neutral and non-polar, at codon 1187 of the SOS2 protein (p.Pro1187Leu). This variant is not present in population databases (gnomAD no frequency). This variant has not been reported in the literature in individuals affected with SOS2-related conditions. ClinVar contains an entry for this variant (Variation ID: 646429). Invitae Evidence Modeling of protein sequence and biophysical properties (such as structural, functional, and spatial information, amino acid conservation, physicochemical variation, residue mobility, and thermodynamic stability) indicates that this missense variant is not expected to disrupt SOS2 protein function with a negative predictive value of 95%. In summary, the available evidence is currently insufficient to determine the role of this variant in disease. Therefore, it has been classified as a Variant of Uncertain Significance.